The following is an entry in ClinVar:

NM_032578.4(MYPN):c.3159G>A (p.Arg1053=)

Gene: MYPN (myopalladin; plus strand). Cytogenetic location: 10q21.3.
Variant type: single nucleotide variant.
Coding change: c.3159G>A on transcript NM_032578.4 (MANE Select); coding-DNA position 3159, G replaced by A.
Protein change: p.Arg1053=; no amino-acid change (arginine 1053 retained).
Molecular consequence: synonymous variant. On other transcripts: non-coding transcript variant (2).
Genome position (GRCh38, 1-based): chr10:68,197,352, G>A. VCF-style: chr10-68197352-G-A. GRCh37 (hg19) VCF-style: chr10-69957109-G-A.
Other names: c.3159G>A, p.Arg1053= (NM_001256267.2); c.2277G>A, p.Arg759= (NM_001256268.2).
Identifiers: ClinVar variation 1350992 (VCV001350992.5), dbSNP rs1292473253, ClinGen allele CA469812197.

ClinVar aggregate classification (germline): Uncertain significance (1 of 4 stars; one submission).

Conditions:
Dilated cardiomyopathy 1KK (CMD1KK). Identifiers: Orphanet 154, Orphanet 75249, MedGen C3714995, MONDO:0014100, OMIM 615248.

Allele frequency attached by ClinVar (database versions not stated): gnomAD exomes 0.00001.
gnomAD v4.1: 2 of 1,613,162 alleles (0.00012%); highest among the groups gnomAD compares: Admixed American, 0.0033%; no homozygotes.

Submission:

Labcorp Genetics (formerly Invitae), Labcorp
Classification: Uncertain significance for Dilated cardiomyopathy 1KK. Last evaluated: 2022-02-19. Review status: criteria provided, single submitter. Criteria: Invitae Variant Classification Sherloc (09022015). Collection method: clinical testing. Allele origin: germline.
Comment: This sequence change affects codon 1053 of the MYPN mRNA. It is a 'silent' change, meaning that it does not change the encoded amino acid sequence of the MYPN protein. It affects a nucleotide within the consensus splice site. This variant is present in population databases (no rsID available, gnomAD 0.006%). This variant has not been reported in the literature in individuals affected with MYPN-related conditions. Algorithms developed to predict the effect of sequence changes on RNA splicing suggest that this variant may disrupt the consensus splice site. In summary, the available evidence is currently insufficient to determine the role of this variant in disease. Therefore, it has been classified as a Variant of Uncertain Significance.